The following is an entry in ClinVar:

NM_001759.4(CCND2):c.524C>G (p.Ser175Cys)

Gene: CCND2 (cyclin D2; plus strand). Cytogenetic location: 12p13.32.
Variant type: single nucleotide variant.
Coding change: c.524C>G on transcript NM_001759.4 (MANE Select); coding-DNA position 524, C replaced by G.
Protein change: p.Ser175Cys; replaces serine 175 with cysteine.
Molecular consequence: missense variant.
Genome position (GRCh38, 1-based): chr12:4,278,872, C>G. VCF-style: chr12-4278872-C-G. GRCh37 (hg19) VCF-style: chr12-4388038-C-G.
Other names: short protein forms S175C.
Identifiers: ClinVar variation 507274 (VCV000507274.12), dbSNP rs143681287, ClinGen allele CA6395254.
Genomic context (GRCh38, chr12:4,278,872, plus strand): 5'-CTCCTCATGACTTCATTGAGCACATCTTGCGCAAGCTGCCCCAGCAGCGGGAGAAGCTGT[C>G]TCTGATCCGCAAGCATGCTCAGACCTTCATTGCTCTGTGTGCCACCGGTAAGATGAGGCT-3'
Protein context (NP_001750.1, residues 165-185): RKLPQQREKL[Ser175Cys]LIRKHAQTFI

ClinVar aggregate classification (germline): Benign/Likely benign. Review status: criteria provided, multiple submitters, no conflicts (2 of 4 stars). 4 submissions from 4 submitters: Benign (1); Likely benign (2). 1 of the submissions does not count toward it. Last evaluated 2026-03-01.

Conditions:
CCND2-related disorder. Also called: CCND2-related condition.

Allele frequency attached by ClinVar (database versions not stated): gnomAD 0.00017; TOPMed 0.00021; ESP Exome Variant Server 0.00038; gnomAD exomes 0.00042.
gnomAD v4.1: 624 of 1,614,030 alleles (0.039%); highest among the groups gnomAD compares: Non-Finnish European, 0.051%; no homozygotes.

Submissions (4):

CeGaT Center for Human Genetics Tuebingen
Classification: Likely benign. Last evaluated: 2026-03-01. Review status: criteria provided, single submitter. Criteria: CeGaT Center For Human Genetics Tuebingen Variant Classification Criteria Version 2. Collection method: clinical testing. Allele origin: germline. Affected: yes. Observed: 2 variant alleles.
Comment: CCND2: BP4, BS1

Labcorp Genetics (formerly Invitae), Labcorp
Classification: Benign. Last evaluated: 2019-12-31. Review status: criteria provided, single submitter. Criteria: Invitae Variant Classification Sherloc (09022015). Collection method: clinical testing. Allele origin: germline.

GeneDx
Classification: Likely benign. Last evaluated: 2017-02-14. Review status: criteria provided, single submitter. Criteria: GeneDx Variant Classification (06012015). Collection method: clinical testing. Allele origin: germline. Affected: yes.
Comment: This variant is considered likely benign or benign based on one or more of the following criteria: it is a conservative change, it occurs at a poorly conserved position in the protein, it is predicted to be benign by multiple in silico algorithms, and/or has population frequency not consistent with disease.

PreventionGenetics, part of Exact Sciences
Classification: Likely benign for CCND2-related condition. Last evaluated: 2022-12-08. Review status: no assertion criteria provided. Collection method: clinical testing. Allele origin: germline. Not counted in ClinVar's aggregate classification.
Comment: This variant is classified as likely benign based on ACMG/AMP sequence variant interpretation guidelines (Richards et al. 2015 PMID: 25741868, with internal and published modifications).